The following is an entry in ClinVar:

ClinVar aggregate classification (germline): Uncertain significance (1 of 4 stars; one submission).

gnomAD v4.1: 5 of 1,612,932 alleles (0.00031%); highest among the groups gnomAD compares: African/African-American, 0.004%; no homozygotes.

Submission:

ARUP Laboratories, Molecular Genetics and Genomics, ARUP Laboratories
Classification: Uncertain significance. Last evaluated: 2025-05-20. Review status: criteria provided, single submitter. Criteria: ARUP Molecular Germline Variant Investigation Process 2024. Collection method: clinical testing. Allele origin: germline.
Comment: The TTN c.63917G>T; p.Arg21306Leu variant (rs202240487) is rare in the general population (<0.2% allele frequency in the Genome Aggregation Database) and has not been reported in the medical literature in association with dilated cardiomyopathy (DCM) or other TTN-related disease. The clinical relevance of rare missense variants in this gene, which are identified on average once per individual sequenced in affected populations (Herman 2012), is not well understood. Yet, evidence suggests that the vast majority of such missense variants do not contribute to the clinical outcome of DCM (Begay 2015). Thus, the clinical significance of the p.Arg21306Leu variant cannot be determined with certainty. References: Begay RL et al. Role of Titin Missense Variants in Dilated Cardiomyopathy. J Am Heart Assoc. 2015 Nov 13;4(11). PMID: 26567375. Herman DS et al. Truncations of titin causing dilated cardiomyopathy. N Engl J Med. 2012 Feb 16;366(7):619-28. PMID: 22335739. Linke WA and Hamdani N. Gigantic business: titin properties and function through thick and thin. Circ Res 2014; 114(6): 1052-1068. PMID: 24625729.

NM_001267550.2(TTN):c.63917G>T (p.Arg21306Leu)

Genes: TTN (titin; minus strand), TTN-AS1 (TTN antisense RNA 1; plus strand). Cytogenetic location: 2q31.2.
Variant type: single nucleotide variant.
Coding change: c.63917G>T on transcript NM_001267550.2 (MANE Select); coding-DNA position 63917, G replaced by T.
Protein change: p.Arg21306Leu; replaces arginine 21306 with leucine.
Molecular consequence: missense variant.
Genome position (GRCh38, 1-based): chr2:178,587,294, C>A on the plus strand (G>T on the coding strand, the complement: TTN is on the minus strand). VCF-style: chr2-178587294-C-A. GRCh37 (hg19) VCF-style: chr2-179452021-C-A.
Other names: c.58994G>T, p.Arg19665Leu (NM_001256850.1); c.36722G>T, p.Arg12241Leu (NM_003319.4); c.56213G>T, p.Arg18738Leu (NM_133378.4); c.37097G>T, p.Arg12366Leu (NM_133432.3); c.37298G>T, p.Arg12433Leu (NM_133437.4); short protein forms R12241L, R12366L, R12433L, R18738L, R19665L, R21306L.
Identifiers: ClinVar variation 4685825 (VCV004685825.1).